The following is an entry in ClinVar:

ClinVar aggregate classification (germline): Likely benign. Review status: criteria provided, multiple submitters, no conflicts (2 of 4 stars). 3 submissions from 3 submitters: Likely benign (3). Last evaluated 2025-06-09.

Conditions:
Cardiomyopathy (CMYO). Also called: Cardiomyopathies. Identifiers: Orphanet 167848, MedGen C0878544, MONDO:0004994, HP:0001638. Inheritance: Various modes of inheritance.
Hypertrophic cardiomyopathy. Also called: HYPERTROPHIC MYOCARDIOPATHY. Identifiers: Orphanet 217569, MedGen C0007194, MeSH D002312, MONDO:0005045, HP:0001639.
Cardiovascular phenotype. Identifiers: MedGen CN230736.

Allele frequency attached by ClinVar (database versions not stated): gnomAD 0.00001 and 0.00002; gnomAD exomes 0.00001; TOPMed 0.00001; ExAC 0.00002.
gnomAD v4.1: 15 of 1,603,882 alleles (0.00094%); highest among the groups gnomAD compares: East Asian, 0.018%; no homozygotes.

Submissions (3):

Labcorp Genetics (formerly Invitae), Labcorp
Classification: Likely benign for Hypertrophic cardiomyopathy. Last evaluated: 2025-06-09. Review status: criteria provided, single submitter. Criteria: Invitae Variant Classification Sherloc (09022015). Collection method: clinical testing. Allele origin: germline.

All of Us Research Program, National Institutes of Health
Classification: Likely benign for Cardiomyopathy. Last evaluated: 2023-09-05. Review status: criteria provided, single submitter. Criteria: ACMG Guidelines, 2015. Collection method: clinical testing. Allele origin: germline. Inheritance: Autosomal dominant inheritance. Observed: 4 variant alleles, 4 heterozygotes.
Comment: This study involves interpretation of variants in research participants for the purpose of population health screening. Participant phenotype was not available at the time of variant classification. Additional details can be found in publication PMID: 35346344, PMCID: PMC8962531

Ambry Genetics
Classification: Likely benign for Cardiovascular phenotype. Last evaluated: 2023-07-27. Review status: criteria provided, single submitter. Criteria: Ambry Variant Classification Scheme 2023. Collection method: clinical testing. Allele origin: germline.

NM_000257.4(MYH7):c.3588C>T (p.His1196=)

Gene: MYH7 (myosin heavy chain 7; minus strand). Cytogenetic location: 14q11.2.
Variant type: single nucleotide variant.
Coding change: c.3588C>T on transcript NM_000257.4 (MANE Select); coding-DNA position 3588, C replaced by T.
Protein change: p.His1196=; no amino-acid change (histidine 1196 retained).
Molecular consequence: synonymous variant.
Genome position (GRCh38, 1-based): chr14:23,419,983, G>A on the plus strand (C>T on the coding strand, the complement: MYH7 is on the minus strand). VCF-style: chr14-23419983-G-A. GRCh37 (hg19) VCF-style: chr14-23889192-G-A.
Identifiers: ClinVar variation 1080862 (VCV001080862.11), dbSNP rs777394877, ClinGen allele CA037926.